The following is an entry in ClinVar:

ClinVar aggregate classification (germline): Pathogenic (0 of 4 stars; one submission).

Conditions:
Anophthalmia/microphthalmia-esophageal atresia syndrome (MCOPS3). Also called: MICROPHTHALMIA AND ESOPHAGEAL ATRESIA SYNDROME; AEG SYNDROME; SOX2 Disorder. Identifiers: Orphanet 77298, MedGen C1859773, MONDO:0008799, OMIM 206900.

Submission:

Anophthalmia/Microphthalmia Research Registry, Einstein Medical Center Philadelphia
Classification: Pathogenic for Anophthalmia/microphthalmia-esophageal atresia syndrome. Review status: no assertion criteria provided. Collection method: clinical testing. Allele origin: germline. Inheritance: Autosomal dominant inheritance. Affected: yes. Observed: 1 variant allele.

NM_003106.4(SOX2):c.58_59delinsT (p.Gly20fs)

Genes: SOX2-OT (SOX2 overlapping transcript; plus strand), SOX2 (SRY-box transcription factor 2; plus strand), LOC108281177 (SOX2 5' regulatory region; plus strand). Cytogenetic location: 3q26.33.
Variant type: Indel.
Coding change: c.58_59delinsT on transcript NM_003106.4 (MANE Select); coding-DNA positions 58 to 59, GG replaced by T.
Protein change: p.Gly20fs; shifts the reading frame from glycine 20.
Molecular consequence: frameshift variant.
Genome position (GRCh38, 1-based): chr3:181,712,418-181,712,419, GG replaced by T. VCF-style: chr3-181712418-GG-T. GRCh37 (hg19) VCF-style: chr3-181430206-GG-T.
Other names: short protein forms G20fs.
Identifiers: ClinVar variation 986778 (VCV000986778.1), dbSNP rs1714837282, ClinGen allele CA1139658368.